The following is an entry in ClinVar:

NM_005555.4(KRT6B):c.510CAA[2] (p.Asn172del)

Gene: KRT6B (keratin 6B; minus strand). Cytogenetic location: 12q13.13.
Variant type: Microsatellite.
Coding change: c.510CAA[2] on transcript NM_005555.4 (MANE Select); two copies in a row of the 3-base unit CAA starting at c.510; the reference has three copies in a row; one copy, 3 bases deleted; also written c.516_518del.
Protein change: p.Asn172del; deletes asparagine 172.
Molecular consequence: inframe deletion.
Genome position (GRCh38, 1-based): chr12:52,451,561-52,451,563, TTG deleted on the plus strand (CAA on the coding strand, the reverse complement: KRT6B is on the minus strand); deleting any 3 consecutive bases within chr12:52,451,561-52,451,569 gives the same sequence; the position shown is the placement nearest the transcript's 3' end. VCF-style (leftmost placement, unchanged base first): chr12-52451560-CTTG-C. GRCh37 (hg19) VCF-style: chr12-52845344-CTTG-C.
Other names: c.516_518delCAA (NM_005555.3); c.516_518del (NM_005555.4); short protein forms N172del.
Identifiers: ClinVar variation 66600 (VCV000066600.7), dbSNP rs267607472, ClinGen allele CA217368.

ClinVar aggregate classification (germline): Pathogenic. Review status: criteria provided, multiple submitters, no conflicts (2 of 4 stars). 4 submissions from 4 submitters: Pathogenic (3). 1 of the submissions does not count toward it. Last evaluated 2024-02-27.

Conditions:
KRT6B-related disorders.
Pachyonychia congenita 4 (PC4). Also called: KRT6B-Related Pachyonychia Congenita. Identifiers: Orphanet 2309, MedGen C3714949, MONDO:0014325, OMIM 615728.

Submissions (4):

Blueprint Genetics
Classification: Pathogenic for KRT6B-related disorders. Last evaluated: 2024-02-27. Review status: criteria provided, single submitter. Criteria: ACMG Guidelines, 2015. Collection method: clinical testing. Allele origin: germline. Affected: yes. Observed: 3 variant alleles.

GeneDx
Classification: Pathogenic. Last evaluated: 2023-04-20. Review status: criteria provided, single submitter. Criteria: GeneDx Variant Classification Process June 2021. Collection method: clinical testing. Allele origin: germline. Affected: yes.
Comment: In-frame deletion of one amino acid in a non-repeat region; Located within the Helix initiation motif which is a region that is intolerant of change; In silico analysis supports a deleterious effect on protein structure/function; This variant is associated with the following publications: (PMID: 24611874, 31777952, 34116063, 33486795, 19609311, 31823354, 17429440)

Fulgent Genetics
Classification: Pathogenic for Pachyonychia congenita 4. Last evaluated: 2022-04-28. Review status: criteria provided, single submitter. Criteria: ACMG Guidelines, 2015. Collection method: clinical testing. Allele origin: unknown.

Epithelial Biology;  Institute of Medical Biology, Singapore
No classification provided. Review status: no classification provided. Collection method: not provided. Allele origin: not provided. Not counted in ClinVar's aggregate classification.